The following is an entry in ClinVar:

ClinVar aggregate classification (germline): Uncertain significance. Review status: criteria provided, multiple submitters, no conflicts (2 of 4 stars). 4 submissions from 4 submitters: Uncertain significance (3). 1 of the submissions does not count toward it. Last evaluated 2022-07-26.

Conditions:
Inborn genetic diseases. Identifiers: MedGen C0950123, MeSH D030342.
Bardet-Biedl syndrome (BBS). Identifiers: Orphanet 110, MedGen C0752166, MONDO:0015229.
BBS10-related disorder. Also called: BBS10-related condition.
Bardet-Biedl syndrome 10 (BBS10). Identifiers: Orphanet 110, MedGen C1859568, MONDO:0014438, OMIM 615987.

Allele frequency attached by ClinVar (database versions not stated): gnomAD exomes 0.00001 and 0.00003; gnomAD 0.00003 and 0.00004; TOPMed 0.00003; ExAC 0.00004.
gnomAD v4.1: 20 of 1,610,034 alleles (0.0012%); highest among the groups gnomAD compares: Middle Eastern, 0.016%; no homozygotes.

Submissions (4):

Labcorp Genetics (formerly Invitae), Labcorp
Classification: Uncertain significance for Bardet-Biedl syndrome. Last evaluated: 2022-07-26. Review status: criteria provided, single submitter. Criteria: Invitae Variant Classification Sherloc (09022015). Collection method: clinical testing. Allele origin: germline.
Comment: This sequence change replaces methionine, which is neutral and non-polar, with valine, which is neutral and non-polar, at codon 628 of the BBS10 protein (p.Met628Val). This variant is present in population databases (rs760505134, gnomAD 0.02%). This variant has not been reported in the literature in individuals affected with BBS10-related conditions. ClinVar contains an entry for this variant (Variation ID: 1494948). Algorithms developed to predict the effect of missense changes on protein structure and function output the following: SIFT: "Tolerated"; PolyPhen-2: "Benign"; Align-GVGD: "Class C0". The valine amino acid residue is found in multiple mammalian species, which suggests that this missense change does not adversely affect protein function. In summary, the available evidence is currently insufficient to determine the role of this variant in disease. Therefore, it has been classified as a Variant of Uncertain Significance.

Ambry Genetics
Classification: Uncertain significance for Inborn genetic diseases. Last evaluated: 2022-04-08. Review status: criteria provided, single submitter. Criteria: Ambry Variant Classification Scheme 2023. Collection method: clinical testing. Allele origin: germline.

Fulgent Genetics
Classification: Uncertain significance for Bardet-Biedl syndrome 10. Last evaluated: 2022-02-07. Review status: criteria provided, single submitter. Criteria: ACMG Guidelines, 2015. Collection method: clinical testing. Allele origin: unknown.

PreventionGenetics, part of Exact Sciences
Classification: Uncertain significance for BBS10-related condition. Last evaluated: 2023-11-13. Review status: no assertion criteria provided. Collection method: clinical testing. Allele origin: germline. Not counted in ClinVar's aggregate classification.
Comment: The BBS10 c.1882A>G variant is predicted to result in the amino acid substitution p.Met628Val. To our knowledge, this variant has not been reported in the literature. This variant is reported in 0.020% of alleles in individuals of South Asian descent in gnomAD. At this time, the clinical significance of this variant is uncertain due to the absence of conclusive functional and genetic evidence.

NM_024685.4(BBS10):c.1882A>G (p.Met628Val)

Gene: BBS10 (Bardet-Biedl syndrome 10; minus strand). Cytogenetic location: 12q21.2.
Variant type: single nucleotide variant.
Coding change: c.1882A>G on transcript NM_024685.4 (MANE Select); coding-DNA position 1882, A replaced by G.
Protein change: p.Met628Val; replaces methionine 628 with valine.
Molecular consequence: missense variant.
Genome position (GRCh38, 1-based): chr12:76,346,103, T>C on the plus strand (A>G on the coding strand, the complement: BBS10 is on the minus strand). VCF-style: chr12-76346103-T-C. GRCh37 (hg19) VCF-style: chr12-76739883-T-C.
Other names: c.1882A>G (NM_024685.3); short protein forms M628V.
Identifiers: ClinVar variation 1494948 (VCV001494948.9), dbSNP rs760505134, ClinGen allele CA6694090.
Genomic context (GRCh38, chr12:76,346,103, plus strand): 5'-TAGATTTATAAAGGACTTTGGGAATGCCTAAAAGTGCATTAGCTATTATCATACTAACCA[T>C]GGTTTCTTCTGATTGATGGCATTTTTTGGCATAATTGAGAAGATAGTAATGTAACAAGAT-3'
Protein context (NP_078961.3, residues 618-638): AKKCHQSEET[Met628Val]VSMIIANALL